The following is an entry in ClinVar:

ClinVar aggregate classification (germline): Uncertain significance (1 of 4 stars; one submission).

gnomAD v4.1: 1 of 1,612,832 alleles (0.000062%); highest among the groups gnomAD compares: East Asian, 0.0022%; no homozygotes.

Submission:

Labcorp Genetics (formerly Invitae), Labcorp
Classification: Uncertain significance. Last evaluated: 2022-01-04. Review status: criteria provided, single submitter. Criteria: Invitae Variant Classification Sherloc (09022015). Collection method: clinical testing. Allele origin: germline.
Comment: This sequence change replaces threonine, which is neutral and polar, with serine, which is neutral and polar, at codon 576 of the COL11A2 protein (p.Thr576Ser). In summary, the available evidence is currently insufficient to determine the role of this variant in disease. Therefore, it has been classified as a Variant of Uncertain Significance. Advanced modeling of protein sequence and biophysical properties (such as structural, functional, and spatial information, amino acid conservation, physicochemical variation, residue mobility, and thermodynamic stability) performed at Invitae indicates that this missense variant is not expected to disrupt COL11A2 protein function. This variant has not been reported in the literature in individuals affected with COL11A2-related conditions. This variant is not present in population databases (gnomAD no frequency).

NM_080680.3(COL11A2):c.1727C>G (p.Thr576Ser)

Gene: COL11A2 (collagen type XI alpha 2 chain; minus strand). Cytogenetic location: 6p21.32.
Variant type: single nucleotide variant.
Coding change: c.1727C>G on transcript NM_080680.3 (MANE Select); coding-DNA position 1727, C replaced by G.
Protein change: p.Thr576Ser; replaces threonine 576 with serine.
Molecular consequence: missense variant.
Genome position (GRCh38, 1-based): chr6:33,178,481, G>C on the plus strand (C>G on the coding strand, the complement: COL11A2 is on the minus strand). VCF-style: chr6-33178481-G-C. GRCh37 (hg19) VCF-style: chr6-33146258-G-C.
Other names: c.1406C>G, p.Thr469Ser (NM_080679.3); c.1469C>G, p.Thr490Ser (NM_080681.3); short protein forms T576S, T490S, T469S.
Identifiers: ClinVar variation 2074854 (VCV002074854.4), dbSNP rs2535204382, ClinGen allele CA363658106.